The following is an entry in ClinVar:

NM_000687.4(AHCY):c.112C>T (p.Arg38Trp)

Gene: AHCY (adenosylhomocysteinase; minus strand). Cytogenetic location: 20q11.22.
Variant type: single nucleotide variant.
Coding change: c.112C>T on transcript NM_000687.4 (MANE Select); coding-DNA position 112, C replaced by T.
Protein change: p.Arg38Trp; replaces arginine 38 with tryptophan.
Molecular consequence: missense variant.
Genome position (GRCh38, 1-based): chr20:34,295,502, G>A on the plus strand (C>T on the coding strand, the complement: AHCY is on the minus strand). VCF-style: chr20-34295502-G-A. GRCh37 (hg19) VCF-style: chr20-32883308-G-A.
Other names: c.28C>T, p.Arg10Trp (NM_001161766.2, NM_001322084.2, NM_001322085.2); c.118C>T, p.Arg40Trp (NM_001322086.2); c.112C>T, p.Arg38Trp (NM_001362750.2); short protein forms R38W, R10W, R40W.
Identifiers: ClinVar variation 471682 (VCV000471682.18), dbSNP rs13043752, ClinGen allele CA9821134.

ClinVar aggregate classification (germline): Benign/Likely benign. Review status: criteria provided, multiple submitters, no conflicts (2 of 4 stars). 5 submissions from 5 submitters: Benign (3); Likely benign (2). Last evaluated 2026-02-03.

Conditions:
Hypermethioninemia with deficiency of S-adenosylhomocysteine hydrolase. Identifiers: Orphanet 88618, MedGen C3151058, MONDO:0013404, OMIM 613752.

Allele frequency attached by ClinVar (database versions not stated): 1000 Genomes Project 30x 0.00375; 1000 Genomes Project 0.00419; TOPMed 0.01107; gnomAD 0.01171 and 0.01213; ExAC 0.01181; gnomAD exomes 0.01186 and 0.01496; ESP Exome Variant Server 0.01453.

Submissions (5):

Labcorp Genetics (formerly Invitae), Labcorp
Classification: Benign for Hypermethioninemia with deficiency of S-adenosylhomocysteine hydrolase. Last evaluated: 2026-02-03. Review status: criteria provided, single submitter. Criteria: Invitae Variant Classification Sherloc (09022015). Collection method: clinical testing. Allele origin: germline.

ARUP Laboratories, Molecular Genetics and Genomics, ARUP Laboratories
Classification: Benign for Hypermethioninemia with deficiency of S-adenosylhomocysteine hydrolase. Last evaluated: 2025-04-16. Review status: criteria provided, single submitter. Criteria: ARUP Molecular Germline Variant Investigation Process 2024. Collection method: clinical testing. Allele origin: germline.

Fulgent Genetics
Classification: Benign for Hypermethioninemia with deficiency of S-adenosylhomocysteine hydrolase. Last evaluated: 2022-04-29. Review status: criteria provided, single submitter. Criteria: ACMG Guidelines, 2015. Collection method: clinical testing. Allele origin: unknown.

Illumina Laboratory Services, Illumina
Classification: Likely benign for Hypermethioninemia with deficiency of S-adenosylhomocysteine hydrolase. Last evaluated: 2017-04-27. Review status: criteria provided, single submitter. Criteria: ICSL Variant Classification Criteria 13 December 2019. Collection method: clinical testing. Allele origin: germline.
Comment: This variant was observed as part of a predisposition screen in an ostensibly healthy population. A literature search was performed for the gene, cDNA change, and amino acid change (where applicable). Publications were found based on this search. The evidence from the literature, in combination with allele frequency data from public databases where available, was sufficient to determine this variant is unlikely to cause disease. Therefore, this variant is classified as likely benign.

Breakthrough Genomics
Classification: Likely benign. Review status: criteria provided, single submitter. Criteria: ACMG Guidelines, 2015. Collection method: not provided. Allele origin: germline. Inheritance: Autosomal recessive inheritance. Affected: yes.

Literature cited by the submitters: PubMed 19619139 (cited by Illumina Laboratory Services, Illumina).